The following is an entry in ClinVar:

ClinVar aggregate classification (germline): Conflicting classifications of pathogenicity. Review status: criteria provided, conflicting classifications (1 of 4 stars). 3 submissions from 3 submitters: Uncertain significance (2); Likely benign (1). Last evaluated 2022-11-01.

Conditions:
Mycotic Aneurysm, Intracranial. Identifiers: MeSH D002532.

Allele frequency attached by ClinVar (database versions not stated): 1000 Genomes Project 30x 0.00156; gnomAD 0.00306 and 0.00319; gnomAD exomes 0.00347; TOPMed 0.00397; ExAC 0.00067; 1000 Genomes Project 0.00140.
gnomAD v4.1: 6,194 of 1,536,394 alleles (0.4%); highest among the groups gnomAD compares: Admixed American, 0.73%; 20 homozygotes.

Submissions (3):

CeGaT Center for Human Genetics Tuebingen
Classification: Likely benign. Last evaluated: 2022-11-01. Review status: criteria provided, single submitter. Criteria: CeGaT Center For Human Genetics Tuebingen Variant Classification Criteria Version 2. Collection method: clinical testing. Allele origin: germline. Affected: yes. Observed: 1 variant allele.
Comment: CCDC180: BS2

Brain Center Rudolf Magnus, University Medical Center Utrecht
Classification: Uncertain significance for Mycotic Aneurysm, Intracranial. Last evaluated: 2021-10-08. Review status: criteria provided, single submitter. Criteria: ACMG Guidelines, 2015. Collection method: research. Allele origin: inherited. Affected: yes. Observed: 9 variant alleles. Clinical features observed: Aneurysmal subarachnoid haemorrhage.

Breakthrough Genomics
Classification: Uncertain significance. Review status: criteria provided, single submitter. Criteria: ACMG Guidelines, 2015. Collection method: not provided. Allele origin: germline. Inheritance: Autosomal recessive inheritance. Affected: yes.

NM_020893.6(CCDC180):c.2935C>T (p.Arg979Trp)

Genes: SUGT1P4-STRA6LP-CCDC180 (SUGT1P4-STRA6LP-CCDC180 readthrough; plus strand), CCDC180 (coiled-coil domain containing 180; plus strand). Cytogenetic location: 9q22.33.
Variant type: single nucleotide variant.
Coding change: c.2935C>T on transcript NM_020893.6 (MANE Select); coding-DNA position 2935, C replaced by T.
Protein change: p.Arg979Trp; replaces arginine 979 with tryptophan.
Molecular consequence: missense variant. On other transcripts: non-coding transcript variant (1).
Genome position (GRCh38, 1-based): chr9:97,350,488, C>T. VCF-style: chr9-97350488-C-T. GRCh37 (hg19) VCF-style: chr9-100112770-C-T.
Other names: short protein forms R979W.
Identifiers: ClinVar variation 1300018 (VCV001300018.26), dbSNP rs183800704, ClinGen allele CA5145648.